The following is an entry in ClinVar:

ClinVar aggregate classification (germline): Uncertain significance (1 of 4 stars; one submission).

gnomAD v4.1: 3 of 1,611,370 alleles (0.00019%); highest among the groups gnomAD compares: Non-Finnish European, 0.00025%; no homozygotes.

Submission:

Labcorp Genetics (formerly Invitae), Labcorp
Classification: Uncertain significance. Last evaluated: 2024-06-07. Review status: criteria provided, single submitter. Criteria: Invitae Variant Classification Sherloc (09022015). Collection method: clinical testing. Allele origin: germline.
Comment: This sequence change replaces arginine, which is basic and polar, with glycine, which is neutral and non-polar, at codon 1536 of the PIK3C2A protein (p.Arg1536Gly). This variant is not present in population databases (gnomAD no frequency). This variant has not been reported in the literature in individuals affected with PIK3C2A-related conditions. An algorithm developed to predict the effect of missense changes on protein structure and function (PolyPhen-2) suggests that this variant is likely to be disruptive. In summary, the available evidence is currently insufficient to determine the role of this variant in disease. Therefore, it has been classified as a Variant of Uncertain Significance.

NM_002645.4(PIK3C2A):c.4606C>G (p.Arg1536Gly)

Gene: PIK3C2A (phosphatidylinositol-4-phosphate 3-kinase catalytic subunit type 2 alpha; minus strand). Cytogenetic location: 11p15.1.
Variant type: single nucleotide variant.
Coding change: c.4606C>G on transcript NM_002645.4 (MANE Select); coding-DNA position 4606, C replaced by G.
Protein change: p.Arg1536Gly; replaces arginine 1536 with glycine.
Molecular consequence: missense variant.
Genome position (GRCh38, 1-based): chr11:17,092,032, G>C on the plus strand (C>G on the coding strand, the complement: PIK3C2A is on the minus strand). VCF-style: chr11-17092032-G-C. GRCh37 (hg19) VCF-style: chr11-17113579-G-C.
Other names: c.4606C>G, p.Arg1536Gly (NM_001321378.2); c.3466C>G, p.Arg1156Gly (NM_001321380.2); c.4438C>G, p.Arg1480Gly (NM_001386870.1); short protein forms R1156G, R1480G, R1536G.
Identifiers: ClinVar variation 3615293 (VCV003615293.2).